The following is an entry in ClinVar:

ClinVar aggregate classification (germline): Pathogenic/Likely pathogenic. Review status: criteria provided, multiple submitters, no conflicts (2 of 4 stars). 14 submissions from 14 submitters: Pathogenic (11); Likely pathogenic (1). 2 of the submissions do not count toward it. Last evaluated 2026-06-08.

Conditions:
VWA1-related disorder. Also called: VWA1-related condition.
Neuronopathy, distal hereditary motor, autosomal recessive 7. Also called: NEUROPATHY, DISTAL HEREDITARY MOTOR, AUTOSOMAL RECESSIVE 7; NEUROPATHY, HEREDITARY MOTOR, WITH MYOPATHIC FEATURES. Identifiers: MedGen C5543119, MONDO:0030977, OMIM 619216.
Neuromuscular disease. Also called: Neuromyopathy; Neuromuscular disorder. Identifiers: Orphanet 68381, MedGen C0027868, MeSH D009468, MONDO:0019056.

Submissions (14):

PreventionGenetics, part of Exact Sciences
Classification: Pathogenic for VWA1-related condition. Last evaluated: 2026-06-08. Review status: criteria provided, single submitter. Criteria: ACMG Guidelines, 2015. Collection method: clinical testing. Allele origin: germline.
Comment: The VWA1 c.62_71dup10 variant is predicted to result in a frameshift and premature protein termination (p.Gly25Argfs*74). This variant has been reported in the compound heterozygous and homozygous state in individuals from multiple families with neuromyopathy (Deschauer et al. 2021. PubMed ID: 33459760; reported as p.Gly25Argfs*74, Pagnamenta et al. 2021. PubMed ID: 33559681). This variant is reported in 0.070% of alleles in individuals of African descent in gnomAD. Frameshift variants in VWA1 are expected to be pathogenic. This variant is interpreted as pathogenic.

Women's Health and Genetics/Laboratory Corporation of America, LabCorp
Classification: Pathogenic for Neuronopathy, distal hereditary motor, autosomal recessive 7. Last evaluated: 2026-02-25. Review status: criteria provided, single submitter. Criteria: LabCorp Variant Classification Summary - May 2015. Collection method: clinical testing. Allele origin: germline.
Comment: Variant summary: VWA1 c.62_71dup10 (p.Gly25ArgfsX74) results in a premature termination codon, predicted to cause a truncation of the encoded protein or absence of the protein due to nonsense mediated decay, which are commonly known mechanisms for disease. The frequency data for this variant in gnomAD is considered unreliable, as metrics indicate poor data quality at this position. c.62_71dup10 has been observed in multiple homozygous and compound heterozygous individuals affected with Neuronopathy, distal hereditary motor, autosomal recessive 7 (Deschauer_2021, Pagnamenta_2021). These data indicate that the variant is very likely to be associated with disease. To our knowledge, no experimental evidence demonstrating an impact on protein function has been reported. The following publications have been ascertained in the context of this evaluation (PMID: 33459760, 33559681). ClinVar contains an entry for this variant (Variation ID: 830327). Based on the evidence outlined above, the variant was classified as pathogenic.

Ambry Genetics
Classification: Pathogenic. Last evaluated: 2025-12-11. Review status: criteria provided, single submitter. Criteria: Ambry Variant Classification Scheme 2023. Collection method: clinical testing. Allele origin: germline.
Comment: The c.62_71dupGCGCGGAGCG (p.G25Rfs*74) alteration, located in exon 1 (coding exon 1) of the VWA1 gene, consists of a duplication of GCGCGGAGCG at position 62, causing a translational frameshift with a predicted alternate stop codon after 74 amino acids. This alteration is expected to result in loss of function by premature protein truncation or nonsense-mediated mRNA decay. The Genome Aggregation Database (gnomAD) data for this variant is unreliable due to technical and/or biological issues; therefore, population frequency estimates were not considered. This variant has been identified in the homozygous state and/or in conjunction with other VWA1 variant(s) in individual(s) with features consistent with VWA1-related motor neuronopathy (Nagy, 2024; Pagnamenta, 2021; Deschauer, 2021). Based on the available evidence, this alteration is classified as pathogenic.

Variantyx, Inc.
Classification: Pathogenic for Neuronopathy, distal hereditary motor, autosomal recessive 7. Last evaluated: 2025-09-25. Review status: criteria provided, single submitter. Criteria: Variantyx Assertion Criteria 2022. Collection method: clinical testing. Allele origin: germline. Inheritance: Autosomal recessive inheritance.
Comment: This is a frameshift variant in the VWA1 gene (OMIM: 611901). Pathogenic variants in this gene have been associated with autosomal recessive distal hereditary motor neuronopathy 7. This variant introduces a premature termination codon in exon 1 out of 3 and is expected to result in loss of function, which is a known disease mechanism for VWA1 in this disorder (PMID: 33459760) (PVS1). Functional studies have shown that this variant alters VWA1 protein function (PMID: 33559681). This variant has been reported in the homozygous or compound heterozygous state in many unrelated affected individuals (PMID: 33459760, 33559681, 35975723) (PM3_Very_Strong) and it has been observed to segregate with disease in at many individuals from at least 2 families (PMID: 33459760, 33559681). This variant has a 0.1053% maximum allele frequency in non-founder control populations. Based on the current evidence, this variant is classified as pathogenic for autosomal recessive distal hereditary motor neuronopathy 7.

Clinical Omics and Informatics (COIN) Unit, Neuroscience Institute, University Of Cape Town
Classification: Pathogenic for Neuronopathy, distal hereditary motor, autosomal recessive 7. Last evaluated: 2025-08-25. Review status: criteria provided, single submitter. Criteria: ACMG Guidelines, 2015. Collection method: research. Allele origin: germline. Inheritance: Autosomal recessive inheritance. Affected: yes. Observed: 1 compound heterozygote. Study: International Center for Genomic Medicine for Neuromuscular Disease (ICGNMD).
Comment: The highest population allele frequency in gnomAD v4. is 0.001053 (0.105%; 1018/966322 alleles in the European (non-Finnish) population). One homozygous observation was noted. The variant is absent from the AGVD database. PP1_Strong: 15 informative meiosis from 15 families. The paper provides evidence of a founder effect in individuals of European ancestry through haplotype analysis (PMID: 33559681). PM3_Supporting: Variant occurs with variant NM_022834.5(VWA1):c.662dup in proband but not confirmed in trans- 0.5 points. PS3_Supporting: Functional studies in patient fibroblasts (mRNA and protein) and zebrafish models report a loss of function impact and RT-PCR shows reduced transcript levels due to nonsense-mediated decay (PMID: 33559681). PS4 Met: 5 unrelated probands identified with variant and consistent phenotype for condition (PMID: 33459760). ClinVar has a pathogenic entry for the variant (VCV000830327.27). Sequencing funded by the International Centre for Genomic Medicine in Neuromuscular Diseases (ICGNMD).

CeGaT Center for Human Genetics Tuebingen
Classification: Pathogenic. Last evaluated: 2025-08-01. Review status: criteria provided, single submitter. Criteria: CeGaT Center For Human Genetics Tuebingen Variant Classification Criteria Version 2. Collection method: clinical testing. Allele origin: germline. Affected: yes. Observed: 2 variant alleles.
Comment: VWA1: PM3:Very Strong, PVS1, PM2:Supporting

Blueprint Genetics
Classification: Pathogenic for VWA1-related disorders. Last evaluated: 2024-09-23. Review status: criteria provided, single submitter. Criteria: ACMG Guidelines, 2015. Collection method: clinical testing. Allele origin: germline. Affected: yes. Observed: 5 variant alleles.

Baylor Genetics
Classification: Pathogenic for Neuronopathy, distal hereditary motor, autosomal recessive 7. Last evaluated: 2024-02-05. Review status: criteria provided, single submitter. Criteria: ACMG Guidelines, 2015. Collection method: clinical testing. Allele origin: unknown.

Laboratorio de Genetica e Diagnostico Molecular, Hospital Israelita Albert Einstein
Classification: Pathogenic for Neuronopathy, distal hereditary motor, autosomal recessive 7. Last evaluated: 2023-08-25. Review status: criteria provided, single submitter. Criteria: ACMG Guidelines, 2015. Collection method: clinical testing. Allele origin: germline. Affected: yes.
Comment: ACMG classification criteria: PVS1 very strong, PM3 strong, PP1 strong

Clinical Genetics Laboratory, Skane University Hospital Lund
Classification: Likely pathogenic. Last evaluated: 2023-01-12. Review status: criteria provided, single submitter. Criteria: ACMG Guidelines, 2015. Collection method: clinical testing. Allele origin: germline. Affected: yes.

Fulgent Genetics
Classification: Pathogenic for Neuronopathy, distal hereditary motor, autosomal recessive 7. Last evaluated: 2022-04-26. Review status: criteria provided, single submitter. Criteria: ACMG Guidelines, 2015. Collection method: clinical testing. Allele origin: unknown.

Rady Children's Institute for Genomic Medicine, Rady Children's Hospital San Diego
Classification: Pathogenic for Neuropathy, hereditary motor, with myopathic features. Review status: criteria provided, single submitter. Criteria: ACMG Guidelines, 2015. Collection method: clinical testing. Allele origin: germline. Affected: yes.
Comment: This frameshifting variant in exon 1 of 3 is predicted to result in loss of normal protein function through either protein truncation or nonsense-mediated mRNA decay (NMD). This variant has been previously reported as a compound heterozygous or homozygous change in individuals with neuromyopathy (PMID: 33459760) and hereditary motor neuropathy (PMID: 33559681). The c.62_71dup (p.Gly25ArgfsTer74) variant is present in the heterozygous state in the gnomAD population database at a frequency of 0.0333% (15/45050) and thus is presumed to be rare. Based on the available evidence, the c.62_71dup (p.Gly25ArgfsTer74) variant is classified as Pathogenic.

OMIM
Classification: Pathogenic for NEURONOPATHY, DISTAL HEREDITARY MOTOR, AUTOSOMAL RECESSIVE 7. Last evaluated: 2023-10-17. Review status: no assertion criteria provided. Collection method: literature only. Allele origin: germline. Not counted in ClinVar's aggregate classification.

Section for Clinical Neurogenetics, University of Tübingen
Classification: Likely pathogenic for Neuromyopathy. Last evaluated: 2020-01-01. Review status: no assertion criteria provided. Collection method: research. Allele origin: germline. Affected: yes. Not counted in ClinVar's aggregate classification.

Literature cited by the submitters: PubMed 33459760 (cited by 4 submitters); PubMed 33559681 (cited by 4 submitters); PubMed 39502942 (cited by Ambry Genetics); PubMed 35975723 (cited by Variantyx, Inc.).

NM_022834.5(VWA1):c.62_71dup (p.Gly25fs)

Gene: VWA1 (von Willebrand factor A domain containing 1; plus strand). Cytogenetic location: 1p36.33.
Variant type: Microsatellite.
Coding change: c.62_71dup on transcript NM_022834.5 (MANE Select); coding-DNA positions 62 to 71, 10 bases duplicated (GCGCGGAGCG; older notation c.62_71dupGCGCGGAGCG).
Protein change: p.Gly25fs; shifts the reading frame from glycine 25.
Molecular consequence: frameshift variant.
Genome position (GRCh38, 1-based): chr1:1,435,810-1,435,819, GCGCGGAGCG duplicated; duplicating any 10 consecutive bases within chr1:1,435,799-1,435,819 gives the same sequence; the c. name uses the placement nearest the transcript's 3' end. VCF-style (leftmost placement, unchanged base first): chr1-1435798-T-TGGCGCGGAGC. GRCh37 (hg19) VCF-style: chr1-1371178-T-TGGCGCGGAGC.
Other names: c.62_71dup, p.Gly25fs (NM_199121.3); c.62_71dupGCGCGGAGCG (NM_022834.4); c.62_71dup10 (NM_022834.4, NM_022834.5); short protein forms G25fs.
Identifiers: ClinVar variation 830327 (VCV000830327.45), dbSNP rs749383814, ClinGen allele CA415363787.